The following is an entry in ClinVar:

ClinVar aggregate classification (germline): Conflicting classifications of pathogenicity. Review status: criteria provided, conflicting classifications (1 of 4 stars). 8 submissions from 8 submitters: Uncertain significance (1); Benign (2); Likely benign (3). 2 of the submissions do not count toward it. Last evaluated 2026-01-28.

Conditions:
Combined immunodeficiency due to LRBA deficiency. Also called: Common variable immunodeficiency 8, with autoimmunity. Identifiers: Orphanet 445018, MedGen C3553512, MONDO:0013863, OMIM 614700.

Allele frequency attached by ClinVar (database versions not stated): 1000 Genomes Project 0.00100; TOPMed 0.00102; ExAC 0.00126; ESP Exome Variant Server 0.00161; 1000 Genomes Project 30x 0.00172.
gnomAD v4.1: 2,396 of 1,614,090 alleles (0.15%); highest among the groups gnomAD compares: Non-Finnish European, 0.17%; 4 homozygotes.

Submissions (8):

Labcorp Genetics (formerly Invitae), Labcorp
Classification: Benign for Combined immunodeficiency due to LRBA deficiency. Last evaluated: 2026-01-28. Review status: criteria provided, single submitter. Criteria: Invitae Variant Classification Sherloc (09022015). Collection method: clinical testing. Allele origin: germline.

Blueprint Genetics
Classification: Likely benign. Last evaluated: 2024-11-07. Review status: criteria provided, single submitter. Criteria: ACMG Guidelines, 2015. Collection method: clinical testing. Allele origin: germline.

Mayo Clinic Laboratories, Mayo Clinic
Classification: Benign. Last evaluated: 2024-06-11. Review status: criteria provided, single submitter. Criteria: ACMG Guidelines, 2015. Collection method: clinical testing. Allele origin: germline. Observed: 2 variant alleles.
Comment: BS1, BS2

CeGaT Center for Human Genetics Tuebingen
Classification: Likely benign. Last evaluated: 2022-11-01. Review status: criteria provided, single submitter. Criteria: CeGaT Center For Human Genetics Tuebingen Variant Classification Criteria Version 2. Collection method: clinical testing. Allele origin: germline. Affected: yes. Observed: 3 variant alleles.
Comment: LRBA: BP4, BP7

GeneDx
Classification: Uncertain significance. Last evaluated: 2022-02-26. Review status: criteria provided, single submitter. Criteria: GeneDx Variant Classification Process June 2021. Collection method: clinical testing. Allele origin: germline. Affected: yes.
Comment: Has not been previously published as pathogenic or benign to our knowledge; In silico analysis, which includes splice predictors and evolutionary conservation, suggests this variant may impact gene splicing. In the absence of RNA/functional studies, the actual effect of this sequence change is unknown.

Breakthrough Genomics
Classification: Likely benign. Review status: criteria provided, single submitter. Criteria: ACMG Guidelines, 2015. Collection method: not provided. Allele origin: germline. Inheritance: Autosomal recessive inheritance. Affected: yes.

Clinical Genetics DNA and cytogenetics Diagnostics Lab, Erasmus MC, Erasmus Medical Center
Classification: Likely benign. Review status: no assertion criteria provided. Collection method: clinical testing. Allele origin: germline. Affected: yes. Study: VKGL Data-share Consensus. Not counted in ClinVar's aggregate classification.

Genome Diagnostics Laboratory, University Medical Center Utrecht
Classification: Likely benign. Review status: no assertion criteria provided. Collection method: clinical testing. Allele origin: germline. Affected: yes. Study: VKGL Data-share Consensus. Not counted in ClinVar's aggregate classification.

NM_001364905.1(LRBA):c.114G>T (p.Gly38=)

Gene: LRBA (LPS responsive beige-like anchor protein; minus strand). Cytogenetic location: 4q31.3.
Variant type: single nucleotide variant.
Coding change: c.114G>T on transcript NM_001364905.1 (MANE Select); coding-DNA position 114, G replaced by T.
Protein change: p.Gly38=; no amino-acid change (glycine 38 retained).
Molecular consequence: synonymous variant.
Genome position (GRCh38, 1-based): chr4:151,014,529, C>A on the plus strand (G>T on the coding strand, the complement: LRBA is on the minus strand). VCF-style: chr4-151014529-C-A. GRCh37 (hg19) VCF-style: chr4-151935681-C-A.
Other names: p.Gly38=; c.114G>T, p.Gly38= (NM_001199282.3, NM_001367550.1, NM_006726.5).
Identifiers: ClinVar variation 425341 (VCV000425341.58), dbSNP rs72721739, ClinGen allele CA3103965.